The following is an entry in ClinVar:

ClinVar aggregate classification (germline): Uncertain significance (1 of 4 stars; one submission).

Submission:

Labcorp Genetics (formerly Invitae), Labcorp
Classification: Uncertain significance. Last evaluated: 2024-09-19. Review status: criteria provided, single submitter. Criteria: Invitae Variant Classification Sherloc (09022015). Collection method: clinical testing. Allele origin: germline.
Comment: This sequence change replaces methionine, which is neutral and non-polar, with isoleucine, which is neutral and non-polar, at codon 151 of the PYROXD1 protein (p.Met151Ile). This variant is not present in population databases (gnomAD no frequency). This variant has not been reported in the literature in individuals affected with PYROXD1-related conditions. Invitae Evidence Modeling of protein sequence and biophysical properties (such as structural, functional, and spatial information, amino acid conservation, physicochemical variation, residue mobility, and thermodynamic stability) indicates that this missense variant is not expected to disrupt PYROXD1 protein function with a negative predictive value of 80%. Algorithms developed to predict the effect of sequence changes on RNA splicing suggest that this variant may disrupt the consensus splice site. In summary, the available evidence is currently insufficient to determine the role of this variant in disease. Therefore, it has been classified as a Variant of Uncertain Significance.

NM_024854.5(PYROXD1):c.453G>A (p.Met151Ile)

Gene: PYROXD1 (pyridine nucleotide-disulphide oxidoreductase domain 1; plus strand). Cytogenetic location: 12p12.1.
Variant type: single nucleotide variant.
Coding change: c.453G>A on transcript NM_024854.5 (MANE Select); coding-DNA position 453, G replaced by A.
Protein change: p.Met151Ile; replaces methionine 151 with isoleucine.
Molecular consequence: missense variant. On other transcripts: intron variant (1).
Genome position (GRCh38, 1-based): chr12:21,452,119, G>A. VCF-style: chr12-21452119-G-A. GRCh37 (hg19) VCF-style: chr12-21605053-G-A.
Other names: c.240G>A, p.Met80Ile (NM_001350912.2); c.-290+2428G>A (NM_001350913.2); short protein forms M151I, M80I.
Identifiers: ClinVar variation 3665996 (VCV003665996.2).